The following is an entry in ClinVar:

ClinVar aggregate classification (germline): Likely benign. Review status: criteria provided, multiple submitters, no conflicts (2 of 4 stars). 3 submissions from 3 submitters: Likely benign (3). Last evaluated 2024-05-05.

Conditions:
Hereditary cancer-predisposing syndrome. Also called: Neoplastic Syndromes, Hereditary; Tumor predisposition; Hereditary Cancer Syndrome; Hereditary neoplastic syndrome. Identifiers: Orphanet 140162, MedGen C0027672, MeSH D009386, MONDO:0015356.

Allele frequency attached by ClinVar (database versions not stated): gnomAD exomes below 0.00001; TOPMed below 0.00001.
gnomAD v4.1: 1 of 1,592,988 alleles (0.000063%); highest among the groups gnomAD compares: East Asian, 0.0022%; no homozygotes.

Submissions (3):

Labcorp Genetics (formerly Invitae), Labcorp
Classification: Likely benign. Last evaluated: 2024-05-05. Review status: criteria provided, single submitter. Criteria: Invitae Variant Classification Sherloc (09022015). Collection method: clinical testing. Allele origin: germline.

Ambry Genetics
Classification: Likely benign for Hereditary cancer-predisposing syndrome. Last evaluated: 2023-12-17. Review status: criteria provided, single submitter. Criteria: Ambry Variant Classification Scheme 2023. Collection method: clinical testing. Allele origin: germline.

CeGaT Center for Human Genetics Tuebingen
Classification: Likely benign. Last evaluated: 2023-03-01. Review status: criteria provided, single submitter. Criteria: CeGaT Center For Human Genetics Tuebingen Variant Classification Criteria Version 2. Collection method: clinical testing. Allele origin: germline. Affected: yes. Observed: 1 variant allele.
Comment: MSH3: BP4, BP7

NM_002439.5(MSH3):c.2412T>C (p.Ser804=)

Gene: MSH3 (mutS homolog 3; plus strand). Cytogenetic location: 5q14.1.
Variant type: single nucleotide variant.
Coding change: c.2412T>C on transcript NM_002439.5 (MANE Select); coding-DNA position 2412, T replaced by C.
Protein change: p.Ser804=; no amino-acid change (serine 804 retained).
Molecular consequence: synonymous variant.
Genome position (GRCh38, 1-based): chr5:80,778,813, T>C. VCF-style: chr5-80778813-T-C. GRCh37 (hg19) VCF-style: chr5-80074632-T-C.
Other names: c.2412T>C (NM_002439.3).
Identifiers: ClinVar variation 2498973 (VCV002498973.31), dbSNP rs1377891964, ClinGen allele CA445163435.